The following is an entry in ClinVar:

NM_001378615.1(CC2D2A):c.745G>A (p.Asp249Asn)

Genes: CC2D2A (coiled-coil and C2 domain containing 2A; plus strand), FBXL5 (F-box and leucine rich repeat protein 5; minus strand). Cytogenetic location: 4p15.32.
Variant type: single nucleotide variant.
Coding change: c.745G>A on transcript NM_001378615.1 (MANE Select); coding-DNA position 745, G replaced by A.
Protein change: p.Asp249Asn; replaces aspartic acid 249 with asparagine.
Molecular consequence: missense variant.
Genome position (GRCh38, 1-based): chr4:15,514,734, G>A. VCF-style: chr4-15514734-G-A. GRCh37 (hg19) VCF-style: chr4-15516357-G-A.
Other names: c.745G>A, p.Asp249Asn (NM_001080522.2); c.598G>A, p.Asp200Asn (NM_001378617.1); short protein forms D200N, D249N.
Identifiers: ClinVar variation 4984654 (VCV004984654.1).

ClinVar aggregate classification (germline): Uncertain significance (1 of 4 stars; one submission).

Conditions:
CC2D2A-related disorder. Also called: CC2D2A-related condition; CC2D2A-related disorders. Identifiers: MedGen CN239313.

gnomAD v4.1: 11 of 1,598,126 alleles (0.00069%); highest among the groups gnomAD compares: Middle Eastern, 0.05%; no homozygotes.

Submission:

PreventionGenetics, part of Exact Sciences
Classification: Uncertain significance for CC2D2A-related condition. Last evaluated: 2026-02-09. Review status: criteria provided, single submitter. Criteria: ACMG Guidelines, 2015. Collection method: clinical testing. Allele origin: germline.
Comment: The CC2D2A c.745G>A variant is predicted to result in the amino acid substitution p.Asp249Asn. To our knowledge, this variant has not been reported in the literature or in a large population database (gnomAD), indicating this variant is rare. At this time, the clinical significance of this variant is uncertain due to the absence of conclusive functional and genetic evidence.